The following is an entry in ClinVar:

ClinVar aggregate classification (germline): Uncertain significance (1 of 4 stars; one submission).

Conditions:
Hereditary cancer-predisposing syndrome. Also called: Neoplastic Syndromes, Hereditary; Tumor predisposition; Hereditary Cancer Syndrome; Hereditary neoplastic syndrome. Identifiers: Orphanet 140162, MedGen C0027672, MeSH D009386, MONDO:0015356.

Submission:

Ambry Genetics
Classification: Uncertain significance for Hereditary cancer-predisposing syndrome. Last evaluated: 2026-05-04. Review status: criteria provided, single submitter. Criteria: Ambry Variant Classification Scheme 2023. Collection method: clinical testing. Allele origin: germline.
Comment: The p.N45H variant (also known as c.133A>C), located in coding exon 1 of the PHOX2B gene, results from an A to C substitution at nucleotide position 133. The asparagine at codon 45 is replaced by histidine, an amino acid with similar properties. This amino acid position is conserved. In addition, the in silico prediction for this alteration is inconclusive. Based on the available evidence, the clinical significance of this variant remains unclear.

NM_003924.4(PHOX2B):c.133A>C (p.Asn45His)

Genes: PHOX2B (paired like homeobox 2B; minus strand), PHOX2B-AS1 (PHOX2B antisense RNA 1; plus strand). Cytogenetic location: 4p13.
Variant type: single nucleotide variant.
Coding change: c.133A>C on transcript NM_003924.4 (MANE Select); coding-DNA position 133, A replaced by C.
Protein change: p.Asn45His; replaces asparagine 45 with histidine.
Molecular consequence: missense variant. On other transcripts: non-coding transcript variant (1).
Genome position (GRCh38, 1-based): chr4:41,748,478, T>G on the plus strand (A>C on the coding strand, the complement: PHOX2B is on the minus strand). VCF-style: chr4-41748478-T-G. GRCh37 (hg19) VCF-style: chr4-41750495-T-G.
Other names: short protein forms N45H.
Identifiers: ClinVar variation 4861814 (VCV004861814.1).